The following is an entry in ClinVar:

NM_005121.3(MED13):c.1568A>G (p.His523Arg)

Gene: MED13 (mediator complex subunit 13; minus strand). Cytogenetic location: 17q23.2.
Variant type: single nucleotide variant.
Coding change: c.1568A>G on transcript NM_005121.3 (MANE Select); coding-DNA position 1568, A replaced by G.
Protein change: p.His523Arg; replaces histidine 523 with arginine.
Molecular consequence: missense variant.
Genome position (GRCh38, 1-based): chr17:62,010,949, T>C on the plus strand (A>G on the coding strand, the complement: MED13 is on the minus strand). VCF-style: chr17-62010949-T-C. GRCh37 (hg19) VCF-style: chr17-60088310-T-C.
Other names: short protein forms H523R.
Identifiers: ClinVar variation 978189 (VCV000978189.2), dbSNP rs2080502273, ClinGen allele CA400518663.

ClinVar aggregate classification (germline): Uncertain significance (1 of 4 stars; one submission).

Conditions:
Intellectual developmental disorder 61. Also called: INTELLECTUAL DEVELOPMENTAL DISORDER, AUTOSOMAL DOMINANT 61; MENTAL RETARDATION, AUTOSOMAL DOMINANT 61. Identifiers: MedGen C5231400, MONDO:0032485, OMIM 618009.

Submission:

New York Genome Center
Classification: Uncertain significance for Intellectual developmental disorder 61. Last evaluated: 2019-12-24. Review status: criteria provided, single submitter. Criteria: NYGC Assertion Criteria 2020. Collection method: clinical testing. Allele origin: germline. Observed: 1 heterozygote. Study: CSER-NYCKidSeq.
Comment: The c.1568A>G (p.His523Arg) variant identified in the MED13 gene substitutes a well conserved Histidine for Arginine at amino acid 523/2175 (coding exon 9/30). This variant is absent from gnomAD suggesting it is not a common benign variant in the populations represented in this database. In silico algorithms predict this variant to be Deleterious (Provean; score: -2.95) and Damaging (SIFT; score: 0.042) to the function of the canonical transcript. This variant is absent from ClinVar and to our current knowledge has not been reported in affected individuals in the literature. The His523 residue is outside of a mapped domain of MED13, however a missense variant 17 amino acids downstream of the variant identified in this individual has been reported in an affected individual (p.Pro540Thr, [PMID: 29740699]). Given the lack of compelling information regarding the c.1568A>G (p.His523Arg) variant it is reported here as a Variant of Uncertain Significance.